The following is an entry in ClinVar:

ClinVar aggregate classification (germline): Uncertain significance (1 of 4 stars; one submission).

gnomAD v4.1: 1 of 1,594,024 alleles (0.000063%); no homozygotes.

Submission:

Labcorp Genetics (formerly Invitae), Labcorp
Classification: Uncertain significance. Last evaluated: 2022-03-09. Review status: criteria provided, single submitter. Criteria: Invitae Variant Classification Sherloc (09022015). Collection method: clinical testing. Allele origin: germline.
Comment: This sequence change replaces valine, which is neutral and non-polar, with isoleucine, which is neutral and non-polar, at codon 319 of the HPS5 protein (p.Val319Ile). This variant is not present in population databases (gnomAD no frequency). This variant has not been reported in the literature in individuals affected with HPS5-related conditions. Algorithms developed to predict the effect of missense changes on protein structure and function (SIFT, PolyPhen-2, Align-GVGD) all suggest that this variant is likely to be tolerated. In summary, the available evidence is currently insufficient to determine the role of this variant in disease. Therefore, it has been classified as a Variant of Uncertain Significance.

NM_181507.2(HPS5):c.955G>A (p.Val319Ile)

Gene: HPS5 (HPS5 biogenesis of lysosomal organelles complex 2 subunit 2; minus strand). Cytogenetic location: 11p15.1.
Variant type: single nucleotide variant.
Coding change: c.955G>A on transcript NM_181507.2 (MANE Select); coding-DNA position 955, G replaced by A.
Protein change: p.Val319Ile; replaces valine 319 with isoleucine.
Molecular consequence: missense variant.
Genome position (GRCh38, 1-based): chr11:18,300,858, C>T on the plus strand (G>A on the coding strand, the complement: HPS5 is on the minus strand). VCF-style: chr11-18300858-C-T. GRCh37 (hg19) VCF-style: chr11-18322405-C-T.
Other names: c.613G>A, p.Val205Ile (NM_007216.4, NM_181508.2); short protein forms V319I, V205I.
Identifiers: ClinVar variation 2062115 (VCV002062115.4), dbSNP rs2134375121, ClinGen allele CA379499496.